The following is an entry in ClinVar:

ClinVar aggregate classification (germline): Conflicting classifications of pathogenicity. Review status: criteria provided, conflicting classifications (1 of 4 stars). 3 submissions from 3 submitters: Pathogenic (1); Uncertain significance (1). 1 of the submissions does not count toward it. Last evaluated 2023-11-19.

Conditions:
Dilated cardiomyopathy 1II (CMD1II). Identifiers: Orphanet 154, MedGen C3554649, MONDO:0014073, OMIM 615184.
Developmental cataract. Also called: Congenital cataract; Congenital cataracts; Bilateral cataracts. Identifiers: MedGen C0009691, HP:0000519.

Submissions (3):

Labcorp Genetics (formerly Invitae), Labcorp
Classification: Uncertain significance for Dilated cardiomyopathy 1II. Last evaluated: 2023-11-19. Review status: criteria provided, single submitter. Criteria: Invitae Variant Classification Sherloc (09022015). Collection method: clinical testing. Allele origin: germline.
Comment: This sequence change replaces arginine, which is basic and polar, with leucine, which is neutral and non-polar, at codon 107 of the CRYAB protein (p.Arg107Leu). This variant is not present in population databases (gnomAD no frequency). This missense change has been observed in individuals with congenital cataract (PMID: 26694549; Invitae). It has also been observed to segregate with disease in related individuals. ClinVar contains an entry for this variant (Variation ID: 217346). An algorithm developed to predict the effect of missense changes on protein structure and function (PolyPhen-2) suggests that this variant is likely to be disruptive. In summary, the available evidence is currently insufficient to determine the role of this variant in disease. Therefore, it has been classified as a Variant of Uncertain Significance.

CeGaT Center for Human Genetics Tuebingen
Classification: Pathogenic. Last evaluated: 2017-12-01. Review status: criteria provided, single submitter. Criteria: CeGaT Center For Human Genetics Tuebingen Variant Classification Criteria Version 2. Collection method: clinical testing. Allele origin: germline. Affected: yes. Observed: 1 variant allele.

Eye Genetics Research Group, Children's Medical Research Institute
Classification: Likely pathogenic for Developmental cataract. Last evaluated: 2015-01-09. Review status: no assertion criteria provided. Collection method: research. Allele origin: paternal. Affected: yes. Not counted in ClinVar's aggregate classification.

Literature cited by the submitters: PubMed 26694549 (cited by Labcorp Genetics (formerly Invitae), Labcorp and Eye Genetics Research Group, Children's Medical Research Institute).

NM_001289808.2(CRYAB):c.320G>T (p.Arg107Leu)

Gene: CRYAB (crystallin alpha B; minus strand). Cytogenetic location: 11q23.1.
Variant type: single nucleotide variant.
Coding change: c.320G>T on transcript NM_001289808.2 (MANE Select); coding-DNA position 320, G replaced by T.
Protein change: p.Arg107Leu; replaces arginine 107 with leucine.
Molecular consequence: missense variant.
Genome position (GRCh38, 1-based): chr11:111,910,331, C>A on the plus strand (G>T on the coding strand, the complement: CRYAB is on the minus strand). VCF-style: chr11-111910331-C-A. GRCh37 (hg19) VCF-style: chr11-111781055-C-A.
Other names: c.320G>T, p.Arg107Leu (NM_001289807.1, NM_001368245.1, NM_001885.3); c.119G>T, p.Arg40Leu (NM_001330379.1, NM_001368246.1); short protein forms R107L, R40L.
Identifiers: ClinVar variation 217346 (VCV000217346.45), dbSNP rs144451841, ClinGen allele CA250008.